The following is an entry in ClinVar:

ClinVar aggregate classification (germline): Uncertain significance (1 of 4 stars; one submission).

Submission:

Ambry Genetics
Classification: Uncertain significance. Last evaluated: 2026-06-13. Review status: criteria provided, single submitter. Criteria: Ambry Variant Classification Scheme 2023. Collection method: clinical testing. Allele origin: germline.
Comment: The p.C547R variant (also known as c.1639T>C), located in coding exon 10 of the GALNT12 gene, results from a T to C substitution at nucleotide position 1639. The cysteine at codon 547 is replaced by arginine, an amino acid with highly dissimilar properties. This amino acid position is conserved. In addition, this alteration is predicted to be deleterious by in silico analysis. Based on the available evidence, the clinical significance of this variant remains unclear.

NM_024642.5(GALNT12):c.1639T>C (p.Cys547Arg)

Gene: GALNT12 (polypeptide N-acetylgalactosaminyltransferase 12; plus strand). Cytogenetic location: 9q22.33.
Variant type: single nucleotide variant.
Coding change: c.1639T>C on transcript NM_024642.5 (MANE Select); coding-DNA position 1639, T replaced by C.
Protein change: p.Cys547Arg; replaces cysteine 547 with arginine.
Molecular consequence: missense variant.
Genome position (GRCh38, 1-based): chr9:98,848,985, T>C. VCF-style: chr9-98848985-T-C. GRCh37 (hg19) VCF-style: chr9-101611267-T-C.
Other names: short protein forms C547R.
Identifiers: ClinVar variation 4871656 (VCV004871656.1).
Genomic context (GRCh38, chr9:98,848,985, plus strand): 5'-TGCCTGTCATTCTGTTATCTTTTGTAGGATGGATCTTTATTTCACGAACAGTCCAAGAAA[T>C]GTGTCCAGGCTGCGAGGAAGGAGTCGAGTGACAGTTTCGTTCCACTCTTACGAGACTGCA-3'
Protein context (NP_078918.3, residues 537-557): GSLFHEQSKK[Cys547Arg]VQAARKESSD